The following is an entry in ClinVar:

ClinVar aggregate classification (germline): Uncertain significance. Review status: criteria provided, multiple submitters, no conflicts (2 of 4 stars). 2 submissions from 2 submitters: Uncertain significance (2). Last evaluated 2025-01-20.

Conditions:
Intellectual disability, CASK-related, X-linked. Identifiers: MedGen CN043158.

Allele frequency attached by ClinVar (database versions not stated): gnomAD exomes below 0.00001; TOPMed 0.00001; gnomAD 0.00002.
gnomAD v4.1: 5 of 1,204,749 alleles (0.00042%); highest among the groups gnomAD compares: Admixed American, 0.0044%; no homozygotes.

Submissions (2):

Labcorp Genetics (formerly Invitae), Labcorp
Classification: Uncertain significance for Intellectual disability, CASK-related, X-linked. Last evaluated: 2025-01-20. Review status: criteria provided, single submitter. Criteria: Invitae Variant Classification Sherloc (09022015). Collection method: clinical testing. Allele origin: germline.
Comment: This sequence change replaces serine, which is neutral and polar, with leucine, which is neutral and non-polar, at codon 602 of the CASK protein (p.Ser602Leu). This variant is not present in population databases (gnomAD no frequency). This variant has not been reported in the literature in individuals affected with CASK-related conditions. ClinVar contains an entry for this variant (Variation ID: 1308035). An algorithm developed to predict the effect of missense changes on protein structure and function (PolyPhen-2) suggests that this variant is likely to be tolerated. In summary, the available evidence is currently insufficient to determine the role of this variant in disease. Therefore, it has been classified as a Variant of Uncertain Significance.

GeneDx
Classification: Uncertain significance. Last evaluated: 2023-10-13. Review status: criteria provided, single submitter. Criteria: GeneDx Variant Classification Process June 2021. Collection method: clinical testing. Allele origin: germline. Affected: yes.
Comment: Not observed in large population cohorts (gnomAD); In silico analysis, which includes protein predictors and evolutionary conservation, supports that this variant does not alter protein structure/function; Has not been previously published as pathogenic or benign to our knowledge

NM_001367721.1(CASK):c.1805C>T (p.Ser602Leu)

Gene: CASK (calcium/calmodulin dependent serine protein kinase; minus strand). Cytogenetic location: Xp11.4.
Variant type: single nucleotide variant.
Coding change: c.1805C>T on transcript NM_001367721.1 (MANE Select); coding-DNA position 1805, C replaced by T.
Protein change: p.Ser602Leu; replaces serine 602 with leucine.
Molecular consequence: missense variant. On other transcripts: intron variant (2).
Genome position (GRCh38, 1-based): chrX:41,557,033, G>A on the plus strand (C>T on the coding strand, the complement: CASK is on the minus strand). VCF-style: chrX-41557033-G-A. GRCh37 (hg19) VCF-style: chrX-41416286-G-A.
Other names: c.1787C>T, p.Ser596Leu (NM_001410745.1); c.1805C>T, p.Ser602Leu (NM_003688.4); c.1720-1398C>T (NM_001126055.3); c.1738-1398C>T (NM_001126054.3); short protein forms S602L, S596L.
Identifiers: ClinVar variation 1308035 (VCV001308035.5), dbSNP rs868537608, ClinGen allele CA329229944.